The following is an entry in ClinVar:

ClinVar aggregate classification (germline): Uncertain significance (1 of 4 stars; one submission).

Conditions:
Cardiomyopathy (CMYO). Also called: Cardiomyopathies. Identifiers: Orphanet 167848, MedGen C0878544, MONDO:0004994, HP:0001638. Inheritance: Various modes of inheritance.

Submission:

All of Us Research Program, National Institutes of Health
Classification: Uncertain significance for Cardiomyopathy. Last evaluated: 2023-12-01. Review status: criteria provided, single submitter. Criteria: ACMG Guidelines, 2015. Collection method: clinical testing. Allele origin: germline. Inheritance: Autosomal dominant inheritance. Observed: 1 variant allele, 1 heterozygote.
Comment: This study involves interpretation of variants in research participants for the purpose of population health screening. Participant phenotype was not available at the time of variant classification. Additional details can be found in publication PMID: 35346344, PMCID: PMC8962531

NM_000257.4(MYH7):c.4550G>C (p.Gly1517Ala)

Genes: MHRT (myosin heavy chain associated RNA transcript; plus strand), MYH7 (myosin heavy chain 7; minus strand). Cytogenetic location: 14q11.2.
Variant type: single nucleotide variant.
Coding change: c.4550G>C on transcript NM_000257.4 (MANE Select); coding-DNA position 4550, G replaced by C.
Protein change: p.Gly1517Ala; replaces glycine 1517 with alanine.
Molecular consequence: missense variant. On other transcripts: non-coding transcript variant (1).
Genome position (GRCh38, 1-based): chr14:23,416,962, C>G on the plus strand (G>C on the coding strand, the complement: MYH7 is on the minus strand). VCF-style: chr14-23416962-C-G. GRCh37 (hg19) VCF-style: chr14-23886171-C-G.
Other names: c.4550G>C, p.Gly1517Ala (NM_001407004.1); short protein forms G1517A.
Identifiers: ClinVar variation 3074424 (VCV003074424.1), dbSNP rs2502248801, ClinGen allele CA389038162.